The following is an entry in ClinVar:

ClinVar aggregate classification (germline): Uncertain significance (1 of 4 stars; one submission).

gnomAD v4.1: 4 of 1,613,828 alleles (0.00025%); highest among the groups gnomAD compares: Non-Finnish European, 0.00025%; no homozygotes.

Submission:

Labcorp Genetics (formerly Invitae), Labcorp
Classification: Uncertain significance. Last evaluated: 2025-07-21. Review status: criteria provided, single submitter. Criteria: Invitae Variant Classification Sherloc (09022015). Collection method: clinical testing. Allele origin: germline.
Comment: This sequence change replaces arginine, which is basic and polar, with tryptophan, which is neutral and slightly polar, at codon 736 of the VAV1 protein (p.Arg736Trp). This variant is present in population databases (rs766892501, gnomAD 0.002%). This variant has not been reported in the literature in individuals affected with VAV1-related conditions. An algorithm developed to predict the effect of missense changes on protein structure and function (PolyPhen-2) suggests that this variant is likely to be disruptive. In summary, the available evidence is currently insufficient to determine the role of this variant in disease. Therefore, it has been classified as a Variant of Uncertain Significance.

NM_005428.4(VAV1):c.2206C>T (p.Arg736Trp)

Gene: VAV1 (vav guanine nucleotide exchange factor 1; plus strand). Cytogenetic location: 19p13.3.
Variant type: single nucleotide variant.
Coding change: c.2206C>T on transcript NM_005428.4 (MANE Select); coding-DNA position 2206, C replaced by T.
Protein change: p.Arg736Trp; replaces arginine 736 with tryptophan.
Molecular consequence: missense variant.
Genome position (GRCh38, 1-based): chr19:6,850,746, C>T. VCF-style: chr19-6850746-C-T. GRCh37 (hg19) VCF-style: chr19-6850757-C-T.
Other names: c.2140C>T, p.Arg714Trp (NM_001258206.2); c.2110C>T, p.Arg704Trp (NM_001258207.2); short protein forms R704W, R736W, R714W.
Identifiers: ClinVar variation 4780261 (VCV004780261.1).